The following is an entry in ClinVar:

ClinVar aggregate classification (germline): Uncertain significance (1 of 4 stars; one submission).

Conditions:
Hereditary cancer-predisposing syndrome. Also called: Neoplastic Syndromes, Hereditary; Tumor predisposition; Hereditary Cancer Syndrome; Hereditary neoplastic syndrome. Identifiers: Orphanet 140162, MedGen C0027672, MeSH D009386, MONDO:0015356.

Submission:

Ambry Genetics
Classification: Uncertain significance for Hereditary cancer-predisposing syndrome. Last evaluated: 2019-11-14. Review status: criteria provided, single submitter. Criteria: Ambry Variant Classification Scheme 2023. Collection method: clinical testing. Allele origin: germline.
Comment: The p.V621I variant (also known as c.1861G>A), located in coding exon 12 of the PDGFRA gene, results from a G to A substitution at nucleotide position 1861. The valine at codon 621 is replaced by isoleucine, an amino acid with highly similar properties. This amino acid position is well conserved in available vertebrate species. In addition, the in silico prediction for this alteration is inconclusive. Since supporting evidence is limited at this time, the clinical significance of this alteration remains unclear.

NM_006206.6(PDGFRA):c.1861G>A (p.Val621Ile)

Gene: PDGFRA (platelet derived growth factor receptor alpha; plus strand). Cytogenetic location: 4q12.
Variant type: single nucleotide variant.
Coding change: c.1861G>A on transcript NM_006206.6 (MANE Select); coding-DNA position 1861, G replaced by A.
Protein change: p.Val621Ile; replaces valine 621 with isoleucine.
Molecular consequence: missense variant.
Genome position (GRCh38, 1-based): chr4:54,277,462, G>A. VCF-style: chr4-54277462-G-A. GRCh37 (hg19) VCF-style: chr4-55143629-G-A.
Other names: c.1861G>A, p.Val621Ile (NM_001347827.2, NM_001347829.2); c.1936G>A, p.Val646Ile (NM_001347828.2); c.1900G>A, p.Val634Ile (NM_001347830.2); short protein forms V621I, V634I, V646I.
Identifiers: ClinVar variation 1781516 (VCV001781516.2), dbSNP rs2110309141, ClinGen allele CA356893480.